The following is an entry in ClinVar:

ClinVar aggregate classification (germline): Uncertain significance (1 of 4 stars; one submission).

Allele frequency attached by ClinVar (database versions not stated): TOPMed 0.00001; gnomAD exomes 0.00002 and 0.00003; ExAC 0.00004; ESP Exome Variant Server 0.00022.

Submission:

Labcorp Genetics (formerly Invitae), Labcorp
Classification: Uncertain significance. Last evaluated: 2023-10-13. Review status: criteria provided, single submitter. Criteria: Invitae Variant Classification Sherloc (09022015). Collection method: clinical testing. Allele origin: germline.
Comment: This sequence change replaces arginine, which is basic and polar, with cysteine, which is neutral and slightly polar, at codon 21 of the CPLANE1 protein (p.Arg21Cys). This variant is present in population databases (rs376687322, gnomAD 0.007%). This variant has not been reported in the literature in individuals affected with CPLANE1-related conditions. ClinVar contains an entry for this variant (Variation ID: 1509572). Advanced modeling of protein sequence and biophysical properties (such as structural, functional, and spatial information, amino acid conservation, physicochemical variation, residue mobility, and thermodynamic stability) has been performed at Invitae for this missense variant, however the output from this modeling did not meet the statistical confidence thresholds required to predict the impact of this variant on CPLANE1 protein function. In summary, the available evidence is currently insufficient to determine the role of this variant in disease. Therefore, it has been classified as a Variant of Uncertain Significance.

NM_001384732.1(CPLANE1):c.61C>T (p.Arg21Cys)

Gene: CPLANE1 (ciliogenesis and planar polarity effector complex subunit 1; minus strand). Cytogenetic location: 5p13.2.
Variant type: single nucleotide variant.
Coding change: c.61C>T on transcript NM_001384732.1 (MANE Select); coding-DNA position 61, C replaced by T.
Protein change: p.Arg21Cys; replaces arginine 21 with cysteine.
Molecular consequence: missense variant.
Genome position (GRCh38, 1-based): chr5:37,247,638, G>A on the plus strand (C>T on the coding strand, the complement: CPLANE1 is on the minus strand). VCF-style: chr5-37247638-G-A. GRCh37 (hg19) VCF-style: chr5-37247740-G-A.
Other names: c.61C>T, p.Arg21Cys (NM_023073.4); short protein forms R21C.
Identifiers: ClinVar variation 1509572 (VCV001509572.7), dbSNP rs376687322, ClinGen allele CA3239216.